The following is an entry in ClinVar:

ClinVar aggregate classification (germline): Pathogenic (1 of 4 stars; one submission).

Conditions:
Hereditary factor XI deficiency disease. Also called: PLASMA THROMBOPLASTIN ANTECEDENT DEFICIENCY; PTA DEFICIENCY; ROSENTHAL SYNDROME; Congenital factor XI deficiency. Identifiers: Orphanet 329, MedGen C0015523, MeSH D005173, MONDO:0012897, OMIM 612416.

Submission:

Myriad Genetics, Inc.
Classification: Pathogenic for Hereditary factor XI deficiency disease. Last evaluated: 2024-09-08. Review status: criteria provided, single submitter. Criteria: Myriad Autosomal Dominant, Autosomal Recessive and X-Linked Classification Criteria (2023). Collection method: clinical testing. Allele origin: unknown.
Comment: NM_000128.3(F11):c.1071_1072delTA(K358Nfs*17) is expected to be pathogenic in the context of factor XI deficiency. This variant is predicted to lead to an abnormal or absent protein product due to the creation of a premature termination codon in F11, a gene where loss-of-function variants are known to be pathogenic. Please note: this variant was assessed in the context of healthy population screening.

NM_000128.4(F11):c.1071_1072del (p.Lys358fs)

Gene: F11 (coagulation factor XI; plus strand). Cytogenetic location: 4q35.2.
Variant type: Deletion.
Coding change: c.1071_1072del on transcript NM_000128.4 (MANE Select); coding-DNA positions 1071 to 1072, 2 bases deleted (TA; older notation c.1071_1072delTA).
Protein change: p.Lys358fs; shifts the reading frame from lysine 358.
Molecular consequence: frameshift variant.
Genome position (GRCh38, 1-based): chr4:186,280,516-186,280,517, TA deleted. VCF-style (leftmost placement, unchanged base first): chr4-186280515-CTA-C. GRCh37 (hg19) VCF-style: chr4-187201669-CTA-C.
Other names: c.1023_1024del, p.Lys342fs (NM_001440590.1, NM_001440596.1); c.1071_1072del, p.Lys358fs (NM_001440593.1); c.801_802del, p.Lys268fs (NM_001440605.1, NM_001440607.1); c.753_754del, p.Lys252fs (NM_001440606.1, NM_001440608.1); short protein forms K252fs, K268fs, K342fs, K358fs.
Identifiers: ClinVar variation 5013537 (VCV005013537.1).